The following is an entry in ClinVar:

NM_052859.4(RFT1):c.827-9del

Gene: RFT1 (RFT1 homolog; minus strand). Cytogenetic location: 3p21.1.
Variant type: Deletion.
Coding change: c.827-9del on transcript NM_052859.4 (MANE Select); 9 bases into the intron before coding-DNA position 827, one base deleted (G; older notation c.827-9delG).
Molecular consequence: intron variant.
Genome position (GRCh38, 1-based): chr3:53,105,812, C deleted on the plus strand (G on the coding strand, the reverse complement: RFT1 is on the minus strand). VCF-style (leftmost placement, unchanged base first): chr3-53105811-AC-A. GRCh37 (hg19) VCF-style: chr3-53139827-AC-A.
Identifiers: ClinVar variation 512782 (VCV000512782.1), dbSNP rs770057295, ClinGen allele CA2451307.

ClinVar aggregate classification (germline): Likely benign (1 of 4 stars; one submission).

Allele frequency attached by ClinVar (database versions not stated): ExAC 0.00001; gnomAD exomes below 0.00001; gnomAD 0.00001; TOPMed 0.00001.

Submission:

GeneDx
Classification: Likely benign. Last evaluated: 2017-11-02. Review status: criteria provided, single submitter. Criteria: GeneDx Variant Classification (06012015). Collection method: clinical testing. Allele origin: germline. Affected: yes.
Comment: This variant is considered likely benign or benign based on one or more of the following criteria: it is a conservative change, it occurs at a poorly conserved position in the protein, it is predicted to be benign by multiple in silico algorithms, and/or has population frequency not consistent with disease.